The following is an entry in ClinVar:

NM_000169.3(GLA):c.195-1206C>T

Genes: GLA (galactosidase alpha; minus strand), RPL36A-HNRNPH2 (RPL36A-HNRNPH2 readthrough; plus strand). Cytogenetic location: Xq22.1.
Variant type: single nucleotide variant.
Coding change: c.195-1206C>T on transcript NM_000169.3 (MANE Select); 1206 bases into the intron before coding-DNA position 195, C replaced by T.
Molecular consequence: intron variant. On other transcripts: synonymous variant (2).
Genome position (GRCh38, 1-based): chrX:101,405,191, G>A on the plus strand (C>T on the coding strand, the complement: GLA is on the minus strand). VCF-style: chrX-101405191-G-A. GRCh37 (hg19) VCF-style: chrX-100660179-G-A.
Other names: c.237C>T, p.His79= (NM_001406747.1, NM_001406749.1); c.301-6745G>A (NM_001199973.2); c.178-6745G>A (NM_001199974.2); c.195-1206C>T (NM_001406748.1).
Identifiers: ClinVar variation 4823435 (VCV004823435.4).

ClinVar aggregate classification (germline): Likely benign (1 of 4 stars; one submission).

gnomAD v4.1: 2 of 100,477 alleles (0.002%); highest among the groups gnomAD compares: Admixed American, 0.011%; no homozygotes.

Submission:

CeGaT Center for Human Genetics Tuebingen
Classification: Likely benign. Last evaluated: 2026-02-01. Review status: criteria provided, single submitter. Criteria: CeGaT Center For Human Genetics Tuebingen Variant Classification Criteria Version 2. Collection method: clinical testing. Allele origin: germline. Affected: yes. Observed: 1 variant allele.
Comment: GLA: BP4, BP7